The following is an entry in ClinVar:

ClinVar aggregate classification (germline): Pathogenic/Likely pathogenic. Review status: criteria provided, multiple submitters, no conflicts (2 of 4 stars). 6 submissions from 6 submitters: Pathogenic (4); Likely pathogenic (2). Last evaluated 2025-10-25.

Conditions:
Hereditary nonpolyposis colorectal neoplasms. Identifiers: MedGen C0009405, MeSH D003123.
Hereditary cancer-predisposing syndrome. Also called: Hereditary neoplastic syndrome; Tumor predisposition; Neoplastic Syndromes, Hereditary; Hereditary Cancer Syndrome. Identifiers: Orphanet 140162, MedGen C0027672, MeSH D009386, MONDO:0015356.
Lynch syndrome 5 (LYNCH5). Also called: Hereditary non-polyposis colorectal cancer, type 5; Colorectal cancer, hereditary nonpolyposis, type 5. Identifiers: Orphanet 144, MedGen C1833477, MONDO:0013710, OMIM 614350. Disease mechanism: loss of function.
Endometrial carcinoma. Also called: Endometrial carcinoma, somatic. Identifiers: MedGen C0476089, MONDO:0002447, OMIM 608089, HP:0012114.

Submissions (6):

Labcorp Genetics (formerly Invitae), Labcorp
Classification: Pathogenic for Hereditary nonpolyposis colorectal neoplasms. Last evaluated: 2025-10-25. Review status: criteria provided, single submitter. Criteria: Invitae Variant Classification Sherloc (09022015). Collection method: clinical testing. Allele origin: germline.
Comment: This sequence change creates a premature translational stop signal (p.Pro1295Leufs*3) in the MSH6 gene. It is expected to result in an absent or disrupted protein product. Loss-of-function variants in MSH6 are known to be pathogenic (PMID: 18269114, 24362816). This variant is not present in population databases (gnomAD no frequency). This variant has not been reported in the literature in individuals affected with MSH6-related conditions. ClinVar contains an entry for this variant (Variation ID: 418332). RNA analysis performed to evaluate the impact of this premature translational stop signal on mRNA splicing indicates it does not significantly alter splicing (internal data). For these reasons, this variant has been classified as Pathogenic.

Ambry Genetics
Classification: Pathogenic for Hereditary cancer-predisposing syndrome. Last evaluated: 2024-06-12. Review status: criteria provided, single submitter. Criteria: Ambry Variant Classification Scheme 2023. Collection method: clinical testing. Allele origin: germline.
Comment: The c.3878_3881dupCTTG pathogenic mutation, located in coding exon 9 of the MSH6 gene, results from a duplication of CTTG at nucleotide position 3878, causing a translational frameshift with a predicted alternate stop codon (p.P1295Lfs*3). This alteration is expected to result in loss of function by premature protein truncation or nonsense-mediated mRNA decay. As such, this alteration is interpreted as a disease-causing mutation.

Baylor Genetics
Classification: Likely pathogenic for Endometrial carcinoma. Last evaluated: 2024-01-10. Review status: criteria provided, single submitter. Criteria: ACMG Guidelines, 2015. Collection method: clinical testing. Allele origin: unknown.

Myriad Genetics, Inc.
Classification: Pathogenic for Lynch syndrome 5. Last evaluated: 2023-08-28. Review status: criteria provided, single submitter. Criteria: Myriad Autosomal Dominant, Autosomal Recessive and X-Linked Classification Criteria (2023). Collection method: clinical testing. Allele origin: unknown.
Comment: This variant is considered pathogenic. This variant creates a frameshift predicted to result in premature protein truncation.

GeneDx
Classification: Pathogenic. Last evaluated: 2018-06-04. Review status: criteria provided, single submitter. Criteria: GeneDx Variant Classification (06012015). Collection method: clinical testing. Allele origin: germline. Affected: yes.
Comment: This duplication of 4 nucleotides in MSH6 is denoted c.3878_3881dupCTTG at the cDNA level and p.Pro1295LeufsX3 (P1295LfsX3) at the protein level. The normal sequence, with the bases that are duplicated in brackets, is GGAG[dupCTTG]TCCT. The duplication causes a frameshift, which changes a Proline to a Leucine at codon 1295 and creates a premature stop codon at position 3 of the new reading frame. Although this variant has not, to our knowledge, been reported in the literature, it is predicted to cause loss of normal protein function through either protein truncation or nonsense-mediated mRNA decay. Based on currently available evidence, we consider this variant to be pathogenic.

Quest Diagnostics Nichols Institute San Juan Capistrano
Classification: Likely pathogenic. Last evaluated: 2017-12-22. Review status: criteria provided, single submitter. Criteria: Quest Diagnostics criteria. Collection method: clinical testing. Allele origin: germline.

Literature cited by the submitters: PubMed 18269114 (cited by Labcorp Genetics (formerly Invitae), Labcorp); PubMed 24362816 (cited by Labcorp Genetics (formerly Invitae), Labcorp).

NM_000179.3(MSH6):c.3878_3881dup (p.Pro1295fs)

Gene: MSH6 (mutS homolog 6; plus strand). Cytogenetic location: 2p16.3.
Variant type: Duplication.
Coding change: c.3878_3881dup on transcript NM_000179.3 (MANE Select); coding-DNA positions 3878 to 3881, 4 bases duplicated (CTTG; older notation c.3878_3881dupCTTG).
Protein change: p.Pro1295fs; shifts the reading frame from proline 1295.
Molecular consequence: frameshift variant.
Genome position (GRCh38, 1-based): chr2:47,806,528-47,806,531, CTTG duplicated; duplicating any 4 consecutive bases within chr2:47,806,527-47,806,531 gives the same sequence; the c. name uses the placement nearest the transcript's 3' end. VCF-style (leftmost placement, unchanged base first): chr2-47806526-A-AGCTT. GRCh37 (hg19) VCF-style: chr2-48033665-A-AGCTT.
Other names: c.3488_3491dup, p.Pro1165fs (NM_001281492.2); c.2972_2975dup, p.Pro993fs (NM_001281493.2, NM_001281494.2); c.3878_3881dupCTTG (NM_000179.2); short protein forms P1165fs, P993fs, P1295fs.
Identifiers: ClinVar variation 418332 (VCV000418332.15), dbSNP rs1553333500, ClinGen allele CA16617713.